The following is an entry in ClinVar:

NM_000719.7(CACNA1C):c.3206G>A (p.Cys1069Tyr)

Gene: CACNA1C (calcium voltage-gated channel subunit alpha1 C; plus strand). Cytogenetic location: 12p13.33.
Variant type: single nucleotide variant.
Coding change: c.3206G>A on transcript NM_000719.7 (MANE Select); coding-DNA position 3206, G replaced by A.
Protein change: p.Cys1069Tyr; replaces cysteine 1069 with tyrosine.
Molecular consequence: missense variant.
Genome position (GRCh38, 1-based): chr12:2,606,660, G>A. VCF-style: chr12-2606660-G-A. GRCh37 (hg19) VCF-style: chr12-2715826-G-A.
Other names: c.3206G>A, p.Cys1069Tyr (NM_001129831.2, NM_001129833.2, NM_001129834.2 and 15 more transcripts); c.3266G>A, p.Cys1089Tyr (NM_001129832.2, NM_001129827.2, NM_199460.4); c.3197G>A, p.Cys1066Tyr (NM_001129844.2); short protein forms C1069Y, C1066Y, C1089Y.
Identifiers: ClinVar variation 1728867 (VCV001728867.2), dbSNP rs2518254939, ClinGen allele CA383374585.

ClinVar aggregate classification (germline): Uncertain significance (1 of 4 stars; one submission).

Conditions:
Cardiovascular phenotype. Identifiers: MedGen CN230736.

Submission:

Ambry Genetics
Classification: Uncertain significance for Cardiovascular phenotype. Last evaluated: 2018-11-08. Review status: criteria provided, single submitter. Criteria: Ambry Variant Classification Scheme 2023. Collection method: clinical testing. Allele origin: germline.
Comment: The p.C1069Y variant (also known as c.3206G>A), located in coding exon 25 of the CACNA1C gene, results from a G to A substitution at nucleotide position 3206. The cysteine at codon 1069 is replaced by tyrosine, an amino acid with highly dissimilar properties. This amino acid position is highly conserved in available vertebrate species. In addition, this alteration is predicted to be deleterious by in silico analysis. Since supporting evidence is limited at this time, the clinical significance of this alteration remains unclear.